The following is an entry in ClinVar:

NM_022773.4(LMF1):c.1688T>G (p.Leu563Arg)

Gene: LMF1 (lipase maturation factor 1; minus strand). Cytogenetic location: 16p13.3.
Variant type: single nucleotide variant.
Coding change: c.1688T>G on transcript NM_022773.4 (MANE Select); coding-DNA position 1688, T replaced by G.
Protein change: p.Leu563Arg; replaces leucine 563 with arginine.
Molecular consequence: missense variant. On other transcripts: synonymous variant (1), non-coding transcript variant (1).
Genome position (GRCh38, 1-based): chr16:854,548, A>C on the plus strand (T>G on the coding strand, the complement: LMF1 is on the minus strand). VCF-style: chr16-854548-A-C. GRCh37 (hg19) VCF-style: chr16-904548-A-C.
Other names: c.1688T>G (NM_022773.2); c.1037T>G, p.Leu346Arg (NM_001352017.2, NM_001352021.2); c.1289T>G, p.Leu430Arg (NM_001352018.2); c.1361T>G, p.Leu454Arg (NM_001352019.2); c.1608T>G, p.Ser536= (NM_001352020.1); short protein forms L430R, L563R, L346R, L454R.
Identifiers: ClinVar variation 2082783 (VCV002082783.6), dbSNP rs199591347, ClinGen allele CA7796839.

ClinVar aggregate classification (germline): Likely benign. Review status: criteria provided, multiple submitters, no conflicts (2 of 4 stars). 3 submissions from 3 submitters: Likely benign (3). Last evaluated 2026-01-20.

Conditions:
Cardiovascular phenotype. Identifiers: MedGen CN230736.
LMF1-related disorder. Also called: LMF1-related condition.

Allele frequency attached by ClinVar (database versions not stated): gnomAD exomes 0.00006; gnomAD 0.00015; TOPMed 0.00018; ExAC 0.00042; 1000 Genomes Project 0.00080; 1000 Genomes Project 30x 0.00094.
gnomAD v4.1: 128 of 1,608,438 alleles (0.008%); highest among the groups gnomAD compares: East Asian, 0.22%; no homozygotes.

Submissions (3):

PreventionGenetics, part of Exact Sciences
Classification: Likely benign for LMF1-related condition. Last evaluated: 2026-01-20. Review status: criteria provided, single submitter. Criteria: ACMG Guidelines, 2015. Collection method: clinical testing. Allele origin: germline.
Comment: This variant is classified as likely benign based on ACMG/AMP sequence variant interpretation guidelines (Richards et al. 2015 PMID: 25741868, with internal and published modifications).

Labcorp Genetics (formerly Invitae), Labcorp
Classification: Likely benign. Last evaluated: 2025-12-21. Review status: criteria provided, single submitter. Criteria: Invitae Variant Classification Sherloc (09022015). Collection method: clinical testing. Allele origin: germline.

Ambry Genetics
Classification: Likely benign for Cardiovascular phenotype. Last evaluated: 2024-08-15. Review status: criteria provided, single submitter. Criteria: Ambry Variant Classification Scheme 2023. Collection method: clinical testing. Allele origin: germline.

Literature cited by the submitters: PubMed 32190547 (cited by Ambry Genetics).